The following is an entry in ClinVar:

ClinVar aggregate classification (germline): Pathogenic (1 of 4 stars; one submission).

Submission:

Labcorp Genetics (formerly Invitae), Labcorp
Classification: Pathogenic. Last evaluated: 2023-08-30. Review status: criteria provided, single submitter. Criteria: Invitae Variant Classification Sherloc (09022015). Collection method: clinical testing. Allele origin: germline.
Comment: This sequence change creates a premature translational stop signal (p.Gln224*) in the CHRNG gene. It is expected to result in an absent or disrupted protein product. Loss-of-function variants in CHRNG are known to be pathogenic (PMID: 16826520). This variant is not present in population databases (gnomAD no frequency). This variant has not been reported in the literature in individuals affected with CHRNG-related conditions. For these reasons, this variant has been classified as Pathogenic.

Literature cited by the submitters: PubMed 16826520.

NM_005199.5(CHRNG):c.670C>T (p.Gln224Ter)

Gene: CHRNG (cholinergic receptor nicotinic gamma subunit; plus strand). Cytogenetic location: 2q37.1.
Variant type: single nucleotide variant.
Coding change: c.670C>T on transcript NM_005199.5 (MANE Select); coding-DNA position 670, C replaced by T.
Protein change: p.Gln224Ter; replaces glutamine 224 with a stop codon.
Molecular consequence: nonsense.
Genome position (GRCh38, 1-based): chr2:232,542,947, C>T. VCF-style: chr2-232542947-C-T. GRCh37 (hg19) VCF-style: chr2-233407657-C-T.
Other names: short protein forms Q224*.
Identifiers: ClinVar variation 2756541 (VCV002756541.3), dbSNP rs2469751257, ClinGen allele CA351011712.